The following is an entry in ClinVar:

NM_133638.6(ADAMTS19):c.1899C>A (p.Ser633Arg)

Gene: ADAMTS19 (ADAM metallopeptidase with thrombospondin type 1 motif 19; plus strand). Cytogenetic location: 5q23.3.
Variant type: single nucleotide variant.
Coding change: c.1899C>A on transcript NM_133638.6 (MANE Select); coding-DNA position 1899, C replaced by A.
Protein change: p.Ser633Arg; replaces serine 633 with arginine.
Molecular consequence: missense variant.
Genome position (GRCh38, 1-based): chr5:129,647,791, C>A. VCF-style: chr5-129647791-C-A. GRCh37 (hg19) VCF-style: chr5-128983484-C-A.
Other names: short protein forms S633R.
Identifiers: ClinVar variation 3052103 (VCV003052103.2), dbSNP rs199540994, ClinGen allele CA3397579.

ClinVar aggregate classification (germline): Likely benign (0 of 4 stars; one submission).

Conditions:
ADAMTS19-related disorder. Also called: ADAMTS19-related condition.

Allele frequency attached by ClinVar (database versions not stated): TOPMed 0.00014; 1000 Genomes Project 30x 0.00016; gnomAD 0.00017; 1000 Genomes Project 0.00020.
gnomAD v4.1: 505 of 1,614,012 alleles (0.031%); highest among the groups gnomAD compares: South Asian, 0.21%; 3 homozygotes.

Submission:

PreventionGenetics, part of Exact Sciences
Classification: Likely benign for ADAMTS19-related condition. Last evaluated: 2023-05-30. Review status: no assertion criteria provided. Collection method: clinical testing. Allele origin: germline.
Comment: This variant is classified as likely benign based on ACMG/AMP sequence variant interpretation guidelines (Richards et al. 2015 PMID: 25741868, with internal and published modifications).